The following is an entry in ClinVar:

ClinVar aggregate classification (germline): Conflicting classifications of pathogenicity. Review status: criteria provided, conflicting classifications (1 of 4 stars). 4 submissions from 4 submitters: Uncertain significance (3); Likely benign (1). Last evaluated 2025-12-31.

Conditions:
Myopathy, centronuclear, 5 (CNM5). Identifiers: Orphanet 169186, MedGen C4014814, MONDO:0014418, OMIM 615959.
SPEG-related disorder. Also called: SPEG-related condition.
Inborn genetic diseases. Identifiers: MedGen C0950123, MeSH D030342.

Allele frequency attached by ClinVar (database versions not stated): TOPMed 0.00016; ExAC 0.00020; gnomAD exomes 0.00023 and 0.00025; ESP Exome Variant Server 0.00024; gnomAD 0.00026 and 0.00027.

Submissions (4):

PreventionGenetics, part of Exact Sciences
Classification: Likely benign for SPEG-related condition. Last evaluated: 2025-12-31. Review status: criteria provided, single submitter. Criteria: ACMG Guidelines, 2015. Collection method: clinical testing. Allele origin: germline.
Comment: This variant is classified as likely benign based on ACMG/AMP sequence variant interpretation guidelines (Richards et al. 2015 PMID: 25741868, with internal and published modifications).

Labcorp Genetics (formerly Invitae), Labcorp
Classification: Uncertain significance. Last evaluated: 2024-10-25. Review status: criteria provided, single submitter. Criteria: Invitae Variant Classification Sherloc (09022015). Collection method: clinical testing. Allele origin: germline.
Comment: This sequence change replaces arginine, which is basic and polar, with cysteine, which is neutral and slightly polar, at codon 1621 of the SPEG protein (p.Arg1621Cys). This variant is present in population databases (rs55646900, gnomAD 0.2%). This variant has not been reported in the literature in individuals affected with SPEG-related conditions. ClinVar contains an entry for this variant (Variation ID: 1426756). An algorithm developed to predict the effect of missense changes on protein structure and function (PolyPhen-2) suggests that this variant is likely to be disruptive. In summary, the available evidence is currently insufficient to determine the role of this variant in disease. Therefore, it has been classified as a Variant of Uncertain Significance.

Revvity Omics, Revvity
Classification: Uncertain significance for Myopathy, centronuclear, 5. Last evaluated: 2023-05-24. Review status: criteria provided, single submitter. Criteria: ACMG Guidelines, 2015. Collection method: clinical testing. Allele origin: germline.

Ambry Genetics
Classification: Uncertain significance for Inborn genetic diseases. Last evaluated: 2022-07-12. Review status: criteria provided, single submitter. Criteria: Ambry Variant Classification Scheme 2023. Collection method: clinical testing. Allele origin: germline.

NM_005876.5(SPEG):c.4861C>T (p.Arg1621Cys)

Gene: SPEG (striated muscle enriched protein kinase; plus strand). Cytogenetic location: 2q35.
Variant type: single nucleotide variant.
Coding change: c.4861C>T on transcript NM_005876.5 (MANE Select); coding-DNA position 4861, C replaced by T.
Protein change: p.Arg1621Cys; replaces arginine 1621 with cysteine.
Molecular consequence: missense variant.
Genome position (GRCh38, 1-based): chr2:219,477,939, C>T. VCF-style: chr2-219477939-C-T. GRCh37 (hg19) VCF-style: chr2-220342661-C-T.
Other names: c.4861C>T (NM_005876.4); short protein forms R1621C.
Identifiers: ClinVar variation 1426756 (VCV001426756.8), dbSNP rs55646900, ClinGen allele CA2126659.